The following is an entry in ClinVar:

NM_022114.4(PRDM16):c.640G>A (p.Val214Ile)

Gene: PRDM16 (PR/SET domain 16; plus strand). Cytogenetic location: 1p36.32.
Variant type: single nucleotide variant.
Coding change: c.640G>A on transcript NM_022114.4 (MANE Select); coding-DNA position 640, G replaced by A.
Protein change: p.Val214Ile; replaces valine 214 with isoleucine.
Molecular consequence: missense variant.
Genome position (GRCh38, 1-based): chr1:3,396,557, G>A. VCF-style: chr1-3396557-G-A. GRCh37 (hg19) VCF-style: chr1-3313121-G-A.
Other names: c.640G>A, p.Val214Ile (NM_199454.3); short protein forms V214I.
Identifiers: ClinVar variation 580976 (VCV000580976.12), dbSNP rs754256903, ClinGen allele CA543895.

ClinVar aggregate classification (germline): Conflicting classifications of pathogenicity. Review status: criteria provided, conflicting classifications (1 of 4 stars). 3 submissions from 3 submitters: Uncertain significance (2); Likely benign (1). Last evaluated 2025-12-29.

Conditions:
Inborn genetic diseases. Identifiers: MedGen C0950123, MeSH D030342.
Left ventricular noncompaction 8 (LVNC8). Identifiers: Orphanet 154, Orphanet 54260, MedGen C3809288, MONDO:0014152, OMIM 615373.

Allele frequency attached by ClinVar (database versions not stated): gnomAD 0.00003; gnomAD exomes 0.00003 and 0.00004; TOPMed 0.00003; ExAC 0.00006.
gnomAD v4.1: 58 of 1,604,980 alleles (0.0036%); highest among the groups gnomAD compares: Non-Finnish European, 0.0044%; no homozygotes.

Submissions (3):

Labcorp Genetics (formerly Invitae), Labcorp
Classification: Uncertain significance for Left ventricular noncompaction 8. Last evaluated: 2025-12-29. Review status: criteria provided, single submitter. Criteria: Invitae Variant Classification Sherloc (09022015). Collection method: clinical testing. Allele origin: germline.
Comment: This sequence change replaces valine, which is neutral and non-polar, with isoleucine, which is neutral and non-polar, at codon 214 of the PRDM16 protein (p.Val214Ile). This variant is present in population databases (rs754256903, gnomAD 0.005%). This variant has not been reported in the literature in individuals affected with PRDM16-related conditions. ClinVar contains an entry for this variant (Variation ID: 580976). An algorithm developed to predict the effect of missense changes on protein structure and function (PolyPhen-2) suggests that this variant is likely to be tolerated. In summary, the available evidence is currently insufficient to determine the role of this variant in disease. Therefore, it has been classified as a Variant of Uncertain Significance.

Ambry Genetics
Classification: Uncertain significance for Inborn genetic diseases. Last evaluated: 2021-09-01. Review status: criteria provided, single submitter. Criteria: Ambry Variant Classification Scheme 2023. Collection method: clinical testing. Allele origin: germline.

Blueprint Genetics
Classification: Likely benign. Last evaluated: 2021-05-19. Review status: criteria provided, single submitter. Criteria: ACMG Guidelines, 2015. Collection method: clinical testing. Allele origin: germline.